The following is an entry in ClinVar:

NM_000059.4(BRCA2):c.7539A>G (p.Ala2513=)

Gene: BRCA2 (BRCA2 DNA repair associated; plus strand). Cytogenetic location: 13q13.1.
Variant type: single nucleotide variant.
Coding change: c.7539A>G on transcript NM_000059.4 (MANE Select); coding-DNA position 7539, A replaced by G.
Protein change: p.Ala2513=; no amino-acid change (alanine 2513 retained).
Molecular consequence: synonymous variant. On other transcripts: non-coding transcript variant (1).
Genome position (GRCh38, 1-based): chr13:32,356,531, A>G. VCF-style: chr13-32356531-A-G. GRCh37 (hg19) VCF-style: chr13-32930668-A-G.
Other names: c.7443A>G, p.Ala2481= (NM_001406719.1); c.7539A>G, p.Ala2513= (NM_001406720.1); c.2607A>G, p.Ala869= (NM_001406721.1); c.1122A>G, p.Ala374= (NM_001406722.1).
Identifiers: ClinVar variation 1759411 (VCV001759411.3), dbSNP rs1320207809, ClinGen allele CA483260402.

ClinVar aggregate classification (germline): Likely benign. Review status: criteria provided, multiple submitters, no conflicts (2 of 4 stars). 2 submissions from 2 submitters: Likely benign (2). Last evaluated 2024-04-25.

Conditions:
Hereditary cancer-predisposing syndrome. Also called: Neoplastic Syndromes, Hereditary; Tumor predisposition; Hereditary Cancer Syndrome; Hereditary neoplastic syndrome. Identifiers: Orphanet 140162, MedGen C0027672, MeSH D009386, MONDO:0015356.
BRCA2-related cancer predisposition. Identifiers: MedGen CN377758, MONDO:0700269.

Allele frequency attached by ClinVar (database versions not stated): gnomAD 0.00001.
gnomAD v4.1: 1 of 1,614,126 alleles (0.000062%); highest among the groups gnomAD compares: Non-Finnish European, 0.000085%; no homozygotes.

Submissions (2):

All of Us Research Program, National Institutes of Health
Classification: Likely benign for BRCA2-related cancer predisposition. Last evaluated: 2024-04-25. Review status: criteria provided, single submitter. Criteria: ACMG Guidelines, 2015. Collection method: clinical testing. Allele origin: germline. Inheritance: Autosomal dominant inheritance. Observed: 1 variant allele, 1 heterozygote.
Comment: This study involves interpretation of variants in research participants for the purpose of population health screening. Participant phenotype was not available at the time of variant classification. Additional details can be found in publication PMID: 35346344, PMCID: PMC8962531

Ambry Genetics
Classification: Likely benign for Hereditary cancer-predisposing syndrome. Last evaluated: 2021-10-03. Review status: criteria provided, single submitter. Criteria: Ambry Variant Classification Scheme 2023. Collection method: clinical testing. Allele origin: germline.